The following is an entry in ClinVar:

ClinVar aggregate classification (germline): Uncertain significance (1 of 4 stars; one submission).

Conditions:
Long QT syndrome (LQTS). Identifiers: MedGen C0023976, MeSH D008133, MONDO:0002442. Disease mechanism: loss of function. Inheritance: Various modes of inheritance.

Allele frequency attached by ClinVar (database versions not stated): gnomAD exomes below 0.00001; TOPMed below 0.00001; gnomAD 0.00001.
gnomAD v4.1: 3 of 1,613,742 alleles (0.00019%); highest among the groups gnomAD compares: African/African-American, 0.0027%; no homozygotes.

Submission:

Labcorp Genetics (formerly Invitae), Labcorp
Classification: Uncertain significance for Long QT syndrome. Last evaluated: 2025-06-07. Review status: criteria provided, single submitter. Criteria: Invitae Variant Classification Sherloc (09022015). Collection method: clinical testing. Allele origin: germline.
Comment: This sequence change replaces lysine, which is basic and polar, with arginine, which is basic and polar, at codon 759 of the KCNH2 protein (p.Lys759Arg). This variant is not present in population databases (gnomAD no frequency). This variant has not been reported in the literature in individuals affected with KCNH2-related conditions. ClinVar contains an entry for this variant (Variation ID: 999182). An algorithm developed to predict the effect of missense changes on protein structure and function (PolyPhen-2) suggests that this variant is likely to be tolerated. In summary, the available evidence is currently insufficient to determine the role of this variant in disease. Therefore, it has been classified as a Variant of Uncertain Significance.

NM_000238.4(KCNH2):c.2276A>G (p.Lys759Arg)

Gene: KCNH2 (potassium voltage-gated channel subfamily H member 2; minus strand). Cytogenetic location: 7q36.1.
Variant type: single nucleotide variant.
Coding change: c.2276A>G on transcript NM_000238.4 (MANE Select); coding-DNA position 2276, A replaced by G.
Protein change: p.Lys759Arg; replaces lysine 759 with arginine.
Molecular consequence: missense variant.
Genome position (GRCh38, 1-based): chr7:150,950,290, T>C on the plus strand (A>G on the coding strand, the complement: KCNH2 is on the minus strand). VCF-style: chr7-150950290-T-C. GRCh37 (hg19) VCF-style: chr7-150647378-T-C.
Other names: c.1256A>G, p.Lys419Arg (NM_001204798.2, NM_172057.3); c.1988A>G, p.Lys663Arg (NM_001406753.1, NM_001406756.1); c.2099A>G, p.Lys700Arg (NM_001406755.1); c.1976A>G, p.Lys659Arg (NM_001406757.1); c.2276A>G, p.Lys759Arg (NM_172056.3); short protein forms K419R, K759R, K659R, K700R, K663R.
Identifiers: ClinVar variation 999182 (VCV000999182.11), dbSNP rs1225877255, ClinGen allele CA369856330.